The following is an entry in ClinVar:

NM_007294.4(BRCA1):c.5562G>A (p.Leu1854=)

Gene: BRCA1 (BRCA1 DNA repair associated; minus strand). Cytogenetic location: 17q21.31.
Variant type: single nucleotide variant.
Coding change: c.5562G>A on transcript NM_007294.4 (MANE Select); coding-DNA position 5562, G replaced by A.
Protein change: p.Leu1854=; no amino-acid change (leucine 1854 retained).
Molecular consequence: synonymous variant. On other transcripts: 3 prime UTR variant (17).
Genome position (GRCh38, 1-based): chr17:43,045,708, C>T on the plus strand (G>A on the coding strand, the complement: BRCA1 is on the minus strand). VCF-style: chr17-43045708-C-T. GRCh37 (hg19) VCF-style: chr17-41197725-C-T.
Other names: c.1983G>A, p.Leu661= (NM_001408505.1); c.1926G>A, p.Leu642= (NM_001408506.1); c.1923G>A, p.Leu641= (NM_001408507.1); c.1914G>A, p.Leu638= (NM_001408508.1); c.1911G>A, p.Leu637= (NM_001408509.1); c.1872G>A, p.Leu624= (NM_001408510.1); c.1869G>A, p.Leu623= (NM_001408511.1); c.1749G>A, p.Leu583= (NM_001408512.1); and 74 more.
Identifiers: ClinVar variation 184730 (VCV000184730.24), dbSNP rs786201648, ClinGen allele CA003719.
Genomic context (GRCh38, chr17:43,045,708, plus strand): 5'-CTGTGGCTCTGTACCTGTGGCTGGCTGCAGTCAGTAGTGGCTGTGGGGGATCTGGGGTAT[C>T]AGGTAGGTGTCCAGCTCCTGGCACTGGTAGAGTGCTACACTGTCCAACACCCACTCTCGG-3'
Protein context (NP_009225.1, residues 1844-1863): LYQCQELDTY[Leu1854=]IPQIPHSHY

ClinVar aggregate classification (germline): Likely benign. Review status: reviewed by expert panel (3 of 4 stars). 5 submissions from 5 submitters: Likely benign (1). 4 of the submissions do not count toward it. Last evaluated 2017-06-29.

Conditions:
Hereditary breast ovarian cancer syndrome. Also called: Hereditary breast and ovarian cancer syndrome; Hereditary breast and ovarian cancer syndrome (HBOC); BRCA1- and BRCA2-Associated Hereditary Breast and Ovarian Cancer; Breast and ovarian cancer; Hereditary breast and ovarian cancer; Hereditary breast and/or ovarian cancer syndrome. Identifiers: Orphanet 145, MedGen C0677776, MeSH D061325, MONDO:0003582. Disease mechanism: loss of function.
Fanconi anemia, complementation group S (FANCS). Identifiers: MedGen C4554406, MONDO:0054748, OMIM 617883.
Breast-ovarian cancer, familial, susceptibility to, 1 (BROVCA1). Also called: OVARIAN CANCER, SUSCEPTIBILITY TO; BRCA1 Hereditary Breast and Ovarian Cancer. Identifiers: Orphanet 145, MedGen C2676676, MONDO:0011450, OMIM 604370. Disease mechanism: loss of function.
Hereditary cancer-predisposing syndrome. Also called: Hereditary Cancer Syndrome; Hereditary neoplastic syndrome; Tumor predisposition; Neoplastic Syndromes, Hereditary. Identifiers: Orphanet 140162, MedGen C0027672, MeSH D009386, MONDO:0015356.

Allele frequency attached by ClinVar (database versions not stated): TOPMed 0.00001.
gnomAD v4.1: 1 of 1,613,784 alleles (0.000062%); highest among the groups gnomAD compares: Admixed American, 0.0017%; no homozygotes.

Submissions (6):

Evidence-based Network for the Interpretation of Germline Mutant Alleles (ENIGMA)
Classification: Likely benign for Breast-ovarian cancer, familial, susceptibility to, 1. Last evaluated: 2017-06-29. Review status: reviewed by expert panel. Criteria: ENIGMA BRCA1/2 Classification Criteria (2017-06-29). Collection method: curation. Allele origin: germline.
Comment: Synonymous substitution variant, with low bioinformatic likelihood to result in a splicing aberration (Splicing prior probability 0.02).

Labcorp Genetics (formerly Invitae), Labcorp
Classification: Likely benign for Hereditary breast ovarian cancer syndrome. Last evaluated: 2025-03-26. Review status: criteria provided, single submitter. Criteria: Invitae Variant Classification Sherloc (09022015). Collection method: clinical testing. Allele origin: germline. Not counted in ClinVar's aggregate classification.

Department of Pathology and Laboratory Medicine, Sinai Health System
Classification: Likely benign for Fanconi anemia, complementation group S. Last evaluated: 2021-07-23. Review status: criteria provided, single submitter. Criteria: ACMG Guidelines, 2015. Collection method: clinical testing. Allele origin: germline. Affected: no. Not counted in ClinVar's aggregate classification.

Ambry Genetics
Classification: Likely benign for Hereditary cancer-predisposing syndrome. Last evaluated: 2018-08-23. Review status: criteria provided, single submitter. Criteria: Ambry Variant Classification Scheme 2023. Collection method: clinical testing. Allele origin: germline. Not counted in ClinVar's aggregate classification.

Color Diagnostics, LLC DBA Color Health
Classification: Likely benign for Hereditary cancer-predisposing syndrome. Last evaluated: 2018-04-23. Review status: criteria provided, single submitter. Criteria: ACMG Guidelines, 2015. Collection method: clinical testing. Allele origin: germline. Not counted in ClinVar's aggregate classification.

Brotman Baty Institute, University of Washington
No classification provided (evidence only). Condition: Breast-ovarian cancer, familial 1. Review status: no classification provided. Collection method: in vitro. Allele origin: not applicable. Functional consequence: functionally_normal. Not counted in ClinVar's aggregate classification.
ClinVar note: "not provided" was previously submitted as the classification for the variant. However, the classification appeared to be based only on an observation of functional data so it was converted to no classification on 2025-07-30.

Literature cited by the submitters: PubMed 30209399 (cited by Department of Pathology and Laboratory Medicine, Sinai Health System).